The following is an entry in ClinVar:

ClinVar aggregate classification (germline): Uncertain significance. Review status: criteria provided, multiple submitters, no conflicts (2 of 4 stars). 2 submissions from 2 submitters: Uncertain significance (2). Last evaluated 2025-06-07.

Conditions:
Inborn genetic diseases. Identifiers: MedGen C0950123, MeSH D030342.

Allele frequency attached by ClinVar (database versions not stated): gnomAD exomes 0.00001.
gnomAD v4.1: 5 of 1,612,380 alleles (0.00031%); highest among the groups gnomAD compares: African/African-American, 0.0067%; no homozygotes.

Submissions (2):

Ambry Genetics
Classification: Uncertain significance for Inborn genetic diseases. Last evaluated: 2025-06-07. Review status: criteria provided, single submitter. Criteria: Ambry Variant Classification Scheme 2023. Collection method: clinical testing. Allele origin: germline.

Labcorp Genetics (formerly Invitae), Labcorp
Classification: Uncertain significance. Last evaluated: 2025-05-10. Review status: criteria provided, single submitter. Criteria: Invitae Variant Classification Sherloc (09022015). Collection method: clinical testing. Allele origin: germline.
Comment: This sequence change replaces glutamic acid, which is acidic and polar, with aspartic acid, which is acidic and polar, at codon 1185 of the SCN3A protein (p.Glu1185Asp). This variant is not present in population databases (gnomAD no frequency). This variant has not been reported in the literature in individuals affected with SCN3A-related conditions. ClinVar contains an entry for this variant (Variation ID: 1467365). Invitae Evidence Modeling of protein sequence and biophysical properties (such as structural, functional, and spatial information, amino acid conservation, physicochemical variation, residue mobility, and thermodynamic stability) indicates that this missense variant is not expected to disrupt SCN3A protein function with a negative predictive value of 95%. In summary, the available evidence is currently insufficient to determine the role of this variant in disease. Therefore, it has been classified as a Variant of Uncertain Significance.

NM_006922.4(SCN3A):c.3555A>C (p.Glu1185Asp)

Gene: SCN3A (sodium voltage-gated channel alpha subunit 3; minus strand). Cytogenetic location: 2q24.3.
Variant type: single nucleotide variant.
Coding change: c.3555A>C on transcript NM_006922.4 (MANE Select); coding-DNA position 3555, A replaced by C.
Protein change: p.Glu1185Asp; replaces glutamic acid 1185 with aspartic acid.
Molecular consequence: missense variant.
Genome position (GRCh38, 1-based): chr2:165,113,930, T>G on the plus strand (A>C on the coding strand, the complement: SCN3A is on the minus strand). VCF-style: chr2-165113930-T-G. GRCh37 (hg19) VCF-style: chr2-165970440-T-G.
Other names: c.3408A>C, p.Glu1136Asp (NM_001081676.2, NM_001081677.2); c.3555A>C (NM_006922.3); short protein forms E1136D, E1185D.
Identifiers: ClinVar variation 1467365 (VCV001467365.7), dbSNP rs752725888, ClinGen allele CA349034050.